The following is an entry in ClinVar:

ClinVar aggregate classification (germline): Uncertain significance. Review status: criteria provided, multiple submitters, no conflicts (2 of 4 stars). 4 submissions from 4 submitters: Uncertain significance (4). Last evaluated 2026-08-20.

Conditions:
FANCI-related disorder. Also called: FANCI-related condition.
Fanconi anemia (FA). Also called: Fanconi's anemia. Identifiers: Orphanet 84, MedGen C0015625, MeSH D005199, MONDO:0019391.
Fanconi anemia complementation group I (FANCI). Also called: FANCI-Related Fanconi Anemia. Identifiers: Orphanet 84, MedGen C1836861, MONDO:0012186, OMIM 609053.

Submissions (4):

PreventionGenetics, part of Exact Sciences
Classification: Uncertain significance for FANCI-related condition. Last evaluated: 2026-08-20. Review status: criteria provided, single submitter. Criteria: ACMG Guidelines, 2015. Collection method: clinical testing. Allele origin: germline.
Comment: The FANCI c.2822_2824delGAG variant is predicted to result in an in-frame deletion (p.Gly941del). To our knowledge, this variant has not been reported in the literature. This variant is reported in 0.0053% of alleles in individuals of European (Non-Finnish) descent in gnomAD. At this time, the clinical significance of this variant is uncertain due to the absence of conclusive functional and genetic evidence.

Blueprint Genetics
Classification: Uncertain significance. Last evaluated: 2024-08-23. Review status: criteria provided, single submitter. Criteria: ACMG Guidelines, 2015. Collection method: clinical testing. Allele origin: germline.

Fulgent Genetics
Classification: Uncertain significance for Fanconi anemia complementation group I. Last evaluated: 2024-06-25. Review status: criteria provided, single submitter. Criteria: ACMG Guidelines, 2015. Collection method: clinical testing. Allele origin: germline.

Labcorp Genetics (formerly Invitae), Labcorp
Classification: Uncertain significance for Fanconi anemia. Last evaluated: 2022-09-23. Review status: criteria provided, single submitter. Criteria: Invitae Variant Classification Sherloc (09022015). Collection method: clinical testing. Allele origin: germline.
Comment: This variant, c.2822_2824del, results in the deletion of 1 amino acid(s) of the FANCI protein (p.Gly941del), but otherwise preserves the integrity of the reading frame. This variant is present in population databases (rs769118889, gnomAD 0.005%). This variant has not been reported in the literature in individuals affected with FANCI-related conditions. Experimental studies and prediction algorithms are not available or were not evaluated, and the functional significance of this variant is currently unknown. In summary, the available evidence is currently insufficient to determine the role of this variant in disease. Therefore, it has been classified as a Variant of Uncertain Significance.

NM_001113378.2(FANCI):c.2822_2824del (p.Gly941del)

Gene: FANCI (FA complementation group I; plus strand). Cytogenetic location: 15q26.1.
Variant type: Deletion.
Coding change: c.2822_2824del on transcript NM_001113378.2 (MANE Select); coding-DNA positions 2822 to 2824, 3 bases deleted (GAG; older notation c.2822_2824delGAG).
Protein change: p.Gly941del; deletes glycine 941.
Molecular consequence: inframe deletion.
Genome position (GRCh38, 1-based): chr15:89,300,318-89,300,320, GAG deleted; deleting any 3 consecutive bases within chr15:89,300,316-89,300,320 gives the same sequence; the c. name uses the placement nearest the transcript's 3' end. VCF-style (leftmost placement, unchanged base first): chr15-89300315-AAGG-A. GRCh37 (hg19) VCF-style: chr15-89843546-AAGG-A.
Other names: c.2543_2545del, p.Gly848del (NM_001376910.1); c.2822_2824del, p.Gly941del (NM_001376911.1); c.2642_2644del, p.Gly881del (NM_018193.3); short protein forms G941del, G881del, G848del.
Identifiers: ClinVar variation 2046844 (VCV002046844.4), dbSNP rs769118889, ClinGen allele CA7723478.